The following is an entry in ClinVar:

ClinVar aggregate classification (germline): Uncertain significance (1 of 4 stars; one submission).

gnomAD v4.1: 1 of 1,614,008 alleles (0.000062%); highest among the groups gnomAD compares: Admixed American, 0.0017%; no homozygotes.

Submission:

Labcorp Genetics (formerly Invitae), Labcorp
Classification: Uncertain significance. Last evaluated: 2025-09-30. Review status: criteria provided, single submitter. Criteria: Invitae Variant Classification Sherloc (09022015). Collection method: clinical testing. Allele origin: germline.
Comment: This sequence change replaces phenylalanine, which is neutral and non-polar, with leucine, which is neutral and non-polar, at codon 78 of the ABCB4 protein (p.Phe78Leu). This variant is present in population databases (no rsID available, gnomAD 0.003%). This variant has not been reported in the literature in individuals affected with ABCB4-related conditions. Invitae Evidence Modeling of protein sequence and biophysical properties (such as structural, functional, and spatial information, amino acid conservation, physicochemical variation, residue mobility, and thermodynamic stability) indicates that this missense variant is not expected to disrupt ABCB4 protein function with a negative predictive value of 80%. In summary, the available evidence is currently insufficient to determine the role of this variant in disease. Therefore, it has been classified as a Variant of Uncertain Significance.

NM_000443.4(ABCB4):c.234T>A (p.Phe78Leu)

Gene: ABCB4 (ATP binding cassette subfamily B member 4; minus strand). Cytogenetic location: 7q21.12.
Variant type: single nucleotide variant.
Coding change: c.234T>A on transcript NM_000443.4 (MANE Select); coding-DNA position 234, T replaced by A.
Protein change: p.Phe78Leu; replaces phenylalanine 78 with leucine.
Molecular consequence: missense variant.
Genome position (GRCh38, 1-based): chr7:87,462,810, A>T on the plus strand (T>A on the coding strand, the complement: ABCB4 is on the minus strand). VCF-style: chr7-87462810-A-T. GRCh37 (hg19) VCF-style: chr7-87092126-A-T.
Other names: c.234T>A, p.Phe78Leu (NM_018849.3, NM_018850.3); short protein forms F78L.
Identifiers: ClinVar variation 4778141 (VCV004778141.1).